The following is an entry in ClinVar:

ClinVar aggregate classification (germline): Uncertain significance (1 of 4 stars; one submission).

Conditions:
NIPBL-related disorder. Also called: NIPBL-related condition.

gnomAD v4.1: 1 of 1,613,972 alleles (0.000062%); highest among the groups gnomAD compares: Non-Finnish European, 0.000085%; no homozygotes.

Submission:

PreventionGenetics, part of Exact Sciences
Classification: Uncertain significance for NIPBL-related condition. Last evaluated: 2026-06-24. Review status: criteria provided, single submitter. Criteria: ACMG Guidelines, 2015. Collection method: clinical testing. Allele origin: germline.
Comment: The NIPBL c.2498A>G variant is predicted to result in the amino acid substitution p.His833Arg. To our knowledge, this variant has not been reported in the literature or in a large population database (gnomAD), indicating this variant is rare. At this time, the clinical significance of this variant is uncertain due to the absence of conclusive functional and genetic evidence.

NM_133433.4(NIPBL):c.2498A>G (p.His833Arg)

Gene: NIPBL (NIPBL cohesin loading factor; plus strand). Cytogenetic location: 5p13.2.
Variant type: single nucleotide variant.
Coding change: c.2498A>G on transcript NM_133433.4 (MANE Select); coding-DNA position 2498, A replaced by G.
Protein change: p.His833Arg; replaces histidine 833 with arginine.
Molecular consequence: missense variant.
Genome position (GRCh38, 1-based): chr5:36,985,678, A>G. VCF-style: chr5-36985678-A-G. GRCh37 (hg19) VCF-style: chr5-36985780-A-G.
Other names: c.2498A>G, p.His833Arg (NM_001438586.1, NM_015384.5); short protein forms H833R.
Identifiers: ClinVar variation 4995971 (VCV004995971.1).